The following is an entry in ClinVar:

NM_014467.3(SRPX2):c.961+1G>A

Gene: SRPX2 (sushi repeat containing protein X-linked 2; plus strand). Cytogenetic location: Xq22.1.
Variant type: single nucleotide variant.
Coding change: c.961+1G>A on transcript NM_014467.3 (MANE Select); the canonical splice donor site of the intron after coding-DNA position 961, G replaced by A.
Molecular consequence: splice donor variant.
Genome position (GRCh38, 1-based): chrX:100,666,934, G>A. VCF-style: chrX-100666934-G-A. GRCh37 (hg19) VCF-style: chrX-99921931-G-A.
Identifiers: ClinVar variation 1041828 (VCV001041828.12), dbSNP rs1303998333, ClinGen allele CA413912262.
Genomic context (GRCh38, chrX:100,666,934, plus strand): 5'-CACCCTCCCGGGTCTGTCAGTCCAGCCGCCAGTGGTCAGGTTCACCACCAATCTGTGCTC[G>A]TGAGTGAAACCGGGGAATGGGGCAAGTGGATGTGGTGATCAGGGGAACTTTGGAGGATCT-3'

ClinVar aggregate classification (germline): Uncertain significance. Review status: criteria provided, multiple submitters, no conflicts (2 of 4 stars). 3 submissions from 3 submitters: Uncertain significance (3). Last evaluated 2026-07-17.

Conditions:
SRPX2-related disorder. Also called: SRPX2-related condition.
Rolandic epilepsy, impaired intellectual development, and speech dyspraxia, X-linked. Also called: Rolandic epilepsy, impaired intellectual development, and speech dyspraxia; Rolandic epilepsy, intellectual disability, and speech dyspraxia, X-linked. Identifiers: MedGen C1845070, MONDO:0010388, OMIM 300643.

Allele frequency attached by ClinVar (database versions not stated): gnomAD exomes 0.00001; gnomAD 0.00002; TOPMed 0.00001.
gnomAD v4.1: 9 of 1,205,821 alleles (0.00075%); highest among the groups gnomAD compares: East Asian, 0.003%; no homozygotes.

Submissions (3):

PreventionGenetics, part of Exact Sciences
Classification: Uncertain significance for SRPX2-related condition. Last evaluated: 2026-07-17. Review status: criteria provided, single submitter. Criteria: ACMG Guidelines, 2015. Collection method: clinical testing. Allele origin: germline.
Comment: The SRPX2 c.961+1G>A variant is predicted to disrupt the GT donor site and interfere with normal splicing. This variant was reported in an individual with autism spectrum disorder (Table S7, Lim et al. 2013. PubMed ID: 23352160). This variant has not been reported in a large population database (gnomAD), indicating this variant is rare. At this time, the clinical significance of this variant is uncertain due to the absence of conclusive functional and genetic evidence.

Women's Health and Genetics/Laboratory Corporation of America, LabCorp
Classification: Uncertain significance. Last evaluated: 2022-01-20. Review status: criteria provided, single submitter. Criteria: LabCorp Variant Classification Summary - May 2015. Collection method: clinical testing. Allele origin: germline.
Comment: Variant summary: SRPX2 c.961+1G>A alters a conserved nucleotide located in a canonical splice-site and is predicted to affect mRNA splicing resulting in a significantly altered protein due to either exon skipping, shortening, or inclusion of intronic material. Several computational tools predict a significant impact on normal splicing: Four predict the variant abolishes the canonical 5' splicing donor site. However, these predictions have yet to be confirmed by functional studies. The variant was absent in 174130 control chromosomes. The available data on variant occurrences in the general population are insufficient to allow any conclusion about variant significance. Although c.961+1G>A has been reported in an individual with autism (example, Lim_2013), to our knowledge, no occurrence of c.961+1G>A in individuals affected with Rolandic Epilepsy With Mental Retardation And Speech Dyspraxia, X-Linked and no experimental evidence demonstrating its impact on protein function have been reported. Subsequently the role of SRPX2 in the phenotype of Rolandic epilepsy has been disputed (Reinthaler_2014) while an association with autism is not fully established in the literature. One clinical diagnostic laboratory has submitted clinical-significance assessments for this variant to ClinVar after 2014 classified the variant as uncertain significance citing overlapping evidence utilized in the context of this evalution. Based on the evidence outlined above, the variant was classified as uncertain significance.

Labcorp Genetics (formerly Invitae), Labcorp
Classification: Uncertain significance for Rolandic epilepsy, impaired intellectual development, and speech dyspraxia, X-linked. Last evaluated: 2020-03-17. Review status: criteria provided, single submitter. Criteria: Invitae Variant Classification Sherloc (09022015). Collection method: clinical testing. Allele origin: germline.
Comment: This sequence change affects a donor splice site in intron 8 of the SRPX2 gene. It is expected to disrupt RNA splicing and likely results in an absent or disrupted protein product. This variant is not present in population databases (ExAC no frequency). This variant has been observed in individual(s) with autism spectrum disorder (PMID: 23352160). Algorithms developed to predict the effect of sequence changes on RNA splicing suggest that this variant may disrupt the consensus splice site, but this prediction has not been confirmed by published transcriptional studies. The current clinical and genetic evidence is not sufficient to establish whether loss-of-function variants in SRPX2 cause disease. In summary, the available evidence is currently insufficient to determine the role of this variant in disease. Therefore, it has been classified as a Variant of Uncertain Significance.

Literature cited by the submitters: PubMed 23352160 (cited by Women's Health and Genetics/Laboratory Corporation of America, LabCorp and Labcorp Genetics (formerly Invitae), Labcorp); PubMed 24995671 (cited by Women's Health and Genetics/Laboratory Corporation of America, LabCorp).